The following is an entry in ClinVar:

ClinVar aggregate classification (germline): Likely benign. Review status: criteria provided, single submitter (1 of 4 stars). 2 submissions from 2 submitters: Likely benign (1). 1 of the submissions does not count toward it. Last evaluated 2023-06-20.

Conditions:
CFAP57-related disorder. Also called: CFAP57-related condition.

Allele frequency attached by ClinVar (database versions not stated): TOPMed 0.00012; 1000 Genomes Project 0.00020; 1000 Genomes Project 30x 0.00047; ExAC 0.00071; gnomAD 0.00036; gnomAD exomes 0.00034.
gnomAD v4.1: 516 of 1,551,140 alleles (0.033%); highest among the groups gnomAD compares: Non-Finnish European, 0.025%; 2 homozygotes.

Submissions (2):

Blueprint Genetics
Classification: Likely benign. Last evaluated: 2023-06-20. Review status: criteria provided, single submitter. Criteria: ACMG Guidelines, 2015. Collection method: clinical testing. Allele origin: germline.

PreventionGenetics, part of Exact Sciences
Classification: Likely benign for CFAP57-related condition. Last evaluated: 2019-07-12. Review status: no assertion criteria provided. Collection method: clinical testing. Allele origin: germline. Not counted in ClinVar's aggregate classification.
Comment: This variant is classified as likely benign based on ACMG/AMP sequence variant interpretation guidelines (Richards et al. 2015 PMID: 25741868, with internal and published modifications).

NM_001378189.1(CFAP57):c.1941C>T (p.Thr647=)

Genes: CFAP57 (cilia and flagella associated protein 57; plus strand), EBNA1BP2 (EBNA1 binding protein 2; minus strand), LOC105378685 (uncharacterized LOC105378685; minus strand). Cytogenetic location: 1p34.2.
Variant type: single nucleotide variant.
Coding change: c.1941C>T on transcript NM_001378189.1 (MANE Select); coding-DNA position 1941, C replaced by T.
Protein change: p.Thr647=; no amino-acid change (threonine 647 retained).
Molecular consequence: synonymous variant.
Genome position (GRCh38, 1-based): chr1:43,215,266, C>T. VCF-style: chr1-43215266-C-T. GRCh37 (hg19) VCF-style: chr1-43680937-C-T.
Other names: c.1941C>T, p.Thr647= (NM_001195831.3).
Identifiers: ClinVar variation 3050841 (VCV003050841.3), dbSNP rs541310801, ClinGen allele CA804859.